The following is an entry in ClinVar:

NM_020928.2(ZSWIM6):c.2851A>G (p.Ser951Gly)

Gene: ZSWIM6 (zinc finger SWIM-type containing 6; plus strand). Cytogenetic location: 5q12.1.
Variant type: single nucleotide variant.
Coding change: c.2851A>G on transcript NM_020928.2 (MANE Select); coding-DNA position 2851, A replaced by G.
Protein change: p.Ser951Gly; replaces serine 951 with glycine.
Molecular consequence: missense variant.
Genome position (GRCh38, 1-based): chr5:61,543,520, A>G. VCF-style: chr5-61543520-A-G. GRCh37 (hg19) VCF-style: chr5-60839347-A-G.
Other names: short protein forms S951G.
Identifiers: ClinVar variation 4884897 (VCV004884897.2).

ClinVar aggregate classification (germline): Uncertain significance (1 of 4 stars; one submission).

gnomAD v4.1: 3 of 1,551,370 alleles (0.00019%); highest among the groups gnomAD compares: South Asian, 0.0024%; no homozygotes.

Submission:

Dasa
Classification: Uncertain significance. Last evaluated: 2025-08-06. Review status: criteria provided, single submitter. Criteria: DASA Assertion Criteria. Collection method: clinical testing. Allele origin: germline.
Comment: NM_020928.2(ZSWIM6):c.2851A>G (p.Ser951Gly) is a missense variant that results in the substitution of serine with glycine. This variant is rare in population databases. The currently available literature and clinical evidence are not sufficient to establish a definitive association between this variant and the reported condition. Therefore, this variant is classified as a variant of uncertain significance.